The following is an entry in ClinVar:

NM_002693.3(POLG):c.2311del (p.Leu771fs)

Gene: POLG (DNA polymerase gamma, catalytic subunit; minus strand). Cytogenetic location: 15q26.1.
Variant type: Deletion.
Coding change: c.2311del on transcript NM_002693.3 (MANE Select); coding-DNA position 2311, one base deleted (C; older notation c.2311delC).
Protein change: p.Leu771fs; shifts the reading frame from leucine 771.
Molecular consequence: frameshift variant.
Genome position (GRCh38, 1-based): chr15:89,322,857, G deleted on the plus strand (C on the coding strand, the reverse complement: POLG is on the minus strand); the first of 2 consecutive G bases (chr15:89,322,857-89,322,858); deleting either gives the same sequence. VCF-style (leftmost placement, unchanged base first): chr15-89322856-AG-A. GRCh37 (hg19) VCF-style: chr15-89866087-AG-A.
Other names: c.2311del, p.Leu771fs (NM_001126131.2); short protein forms L771fs.
Identifiers: ClinVar variation 2760375 (VCV002760375.4), dbSNP rs2509227095, ClinGen allele CA2630255081.
Genomic context (GRCh38, chr15:89,322,856, plus strand): 5'-GCACGGGGCCCACTGGCACCTCCTGGGCCAGCCTGCAGGGTGCCATCCTCCATCTTGGGC[AG>A]GAAGTCCTTGGCAAAGGGGCTTCCCACATTACAGCTATTACCATCCTGGACAGAGCAAAG-3'

ClinVar aggregate classification (germline): Pathogenic. Review status: criteria provided, multiple submitters, no conflicts (2 of 4 stars). 2 submissions from 2 submitters: Pathogenic (2). Last evaluated 2025-01-03.

Conditions:
Progressive sclerosing poliodystrophy (MTDPS4A). Also called: ALPERS PROGRESSIVE INFANTILE POLIODYSTROPHY; NEURONAL DEGENERATION OF CHILDHOOD WITH LIVER DISEASE, PROGRESSIVE; Alpers Syndrome; ALPERS DIFFUSE DEGENERATION OF CEREBRAL GRAY MATTER WITH HEPATIC CIRRHOSIS; Alpers-Huttenlocher Syndrome; Alpers-Huttenlocher Syndrome (AHS). Identifiers: Orphanet 726, MedGen C0205710, MONDO:0008758, OMIM 203700.
POLG-related disorder. Also called: POLG-related condition; POLG-Related Disorders; POLG-Related Spectrum Disorders. Identifiers: MedGen C4763519.

Submissions (2):

Myriad Genetics, Inc.
Classification: Pathogenic for POLG-related disorder. Last evaluated: 2025-01-03. Review status: criteria provided, single submitter. Criteria: Myriad Autosomal Dominant, Autosomal Recessive and X-Linked Classification Criteria (2023). Collection method: clinical testing. Allele origin: unknown.
Comment: NM_002693.2(POLG):c.2311delC(L771Cfs*27) is expected to be pathogenic in the context of POLG-related disorders. This variant is predicted to lead to an abnormal or absent protein product due to the creation of a premature termination codon in POLG, a gene where loss-of-function variants are known to be pathogenic. Please note: this variant was assessed in the context of healthy population screening.

Labcorp Genetics (formerly Invitae), Labcorp
Classification: Pathogenic for Progressive sclerosing poliodystrophy. Last evaluated: 2023-10-03. Review status: criteria provided, single submitter. Criteria: Invitae Variant Classification Sherloc (09022015). Collection method: clinical testing. Allele origin: germline.
Comment: This sequence change creates a premature translational stop signal (p.Leu771Cysfs*27) in the POLG gene. It is expected to result in an absent or disrupted protein product. Loss-of-function variants in POLG are known to be pathogenic (PMID: 18546365). This variant is not present in population databases (gnomAD no frequency). This variant has not been reported in the literature in individuals affected with POLG-related conditions. Algorithms developed to predict the effect of sequence changes on RNA splicing suggest that this variant may disrupt the consensus splice site. For these reasons, this variant has been classified as Pathogenic.

Literature cited by the submitters: PubMed 18546365 (cited by Labcorp Genetics (formerly Invitae), Labcorp).